The following is an entry in ClinVar:

ClinVar aggregate classification (germline): Uncertain significance (1 of 4 stars; one submission).

Conditions:
KBG syndrome (KBGS). Also called: ANKRD11-Related KBG Syndrome. Identifiers: Orphanet 2332, MedGen C0220687, MONDO:0007846, OMIM 148050.

Allele frequency attached by ClinVar (database versions not stated): gnomAD exomes below 0.00001; ExAC 0.00001; gnomAD 0.00002; TOPMed 0.00003.
gnomAD v4.1: 6 of 1,614,040 alleles (0.00037%); highest among the groups gnomAD compares: African/African-American, 0.008%; no homozygotes.

Submission:

Labcorp Genetics (formerly Invitae), Labcorp
Classification: Uncertain significance for KBG syndrome. Last evaluated: 2025-07-08. Review status: criteria provided, single submitter. Criteria: Invitae Variant Classification Sherloc (09022015). Collection method: clinical testing. Allele origin: germline.
Comment: This sequence change replaces aspartic acid, which is acidic and polar, with asparagine, which is neutral and polar, at codon 909 of the ANKRD11 protein (p.Asp909Asn). This variant is present in population databases (rs766793499, gnomAD 0.007%). This variant has not been reported in the literature in individuals affected with ANKRD11-related conditions. ClinVar contains an entry for this variant (Variation ID: 3002519). Invitae Evidence Modeling of protein sequence and biophysical properties (such as structural, functional, and spatial information, amino acid conservation, physicochemical variation, residue mobility, and thermodynamic stability) indicates that this missense variant is not expected to disrupt ANKRD11 protein function with a negative predictive value of 95%. In summary, the available evidence is currently insufficient to determine the role of this variant in disease. Therefore, it has been classified as a Variant of Uncertain Significance.

NM_013275.6(ANKRD11):c.2725G>A (p.Asp909Asn)

Gene: ANKRD11 (ankyrin repeat domain 11; minus strand). Cytogenetic location: 16q24.3.
Variant type: single nucleotide variant.
Coding change: c.2725G>A on transcript NM_013275.6 (MANE Select); coding-DNA position 2725, G replaced by A.
Protein change: p.Asp909Asn; replaces aspartic acid 909 with asparagine.
Molecular consequence: missense variant.
Genome position (GRCh38, 1-based): chr16:89,283,817, C>T on the plus strand (G>A on the coding strand, the complement: ANKRD11 is on the minus strand). VCF-style: chr16-89283817-C-T. GRCh37 (hg19) VCF-style: chr16-89350225-C-T.
Other names: c.2725G>A, p.Asp909Asn (NM_001256182.2, NM_001256183.2); short protein forms D909N.
Identifiers: ClinVar variation 3002519 (VCV003002519.3), dbSNP rs766793499, ClinGen allele CA8242525.